The following is an entry in ClinVar:

NM_002470.4(MYH3):c.1547T>C (p.Met516Thr)

Gene: MYH3 (myosin heavy chain 3; minus strand). Cytogenetic location: 17p13.1.
Variant type: single nucleotide variant.
Coding change: c.1547T>C on transcript NM_002470.4 (MANE Select); coding-DNA position 1547, T replaced by C.
Protein change: p.Met516Thr; replaces methionine 516 with threonine.
Molecular consequence: missense variant.
Genome position (GRCh38, 1-based): chr17:10,642,860, A>G on the plus strand (T>C on the coding strand, the complement: MYH3 is on the minus strand). VCF-style: chr17-10642860-A-G. GRCh37 (hg19) VCF-style: chr17-10546177-A-G.
Other names: short protein forms M516T.
Identifiers: ClinVar variation 5019775 (VCV005019775.1).
Genomic context (GRCh38, chr17:10,642,860, plus strand): 5'-CTTACGGTGGGGATGGAACTGGATACCTTCTCGATGAGCTCGATGCAGGCAGCCAGGTCC[A>G]TCCCGAAGTCAATGAACGTCCACTCGATGCCTTCCTTCTTGTACTCCTCCTGCTCCAGCA-3'
Protein context (NP_002461.2, residues 506-526): GIEWTFIDFG[Met516Thr]DLAACIELIE

ClinVar aggregate classification (germline): Likely pathogenic (1 of 4 stars; one submission).

Conditions:
Arthrogryposis, distal, type 2B3. Also called: Arthrogryposis, distal, type 2B3 (Sheldon-Hall). Identifiers: MedGen C5193098, MONDO:0032751, OMIM 618436.
Contractures, pterygia, and variable skeletal fusions syndrome 1B. Also called: CONTRACTURES, PTERYGIA, AND SPONDYLOCARPOTARSAL FUSION SYNDROME 1B. Identifiers: MedGen C5193114, MONDO:0020746, OMIM 618469.
Contractures, pterygia, and spondylocarpotarsal fusion syndrome 1A (CPSFS1A). Also called: Contractures, pterygia, and variable skeletal fusions syndrome 1A; MULTIPLE PTERYGIUM SYNDROME, AUTOSOMAL DOMINANT; Distal arthrogryposis type 8. Identifiers: Orphanet 65743, MedGen C1867440, MONDO:0008338, OMIM 178110.
Freeman-Sheldon syndrome (DA2A). Also called: Arthrogryposis, distal, type 2A (Freeman-Sheldon); CRANIOCARPOTARSAL DYSPLASIA; CRANIOCARPOTARSAL DYSTROPHY; WHISTLING FACE-WINDMILL VANE HAND SYNDROME. Identifiers: Orphanet 2053, MedGen C0265224, MONDO:0008675, OMIM 193700.

Submission:

Juno Genomics, Hangzhou Juno Genomics, Inc
Classification: Likely pathogenic for Freeman-Sheldon syndrome; Arthrogryposis, distal, type 2B3; Contractures, pterygia, and spondylocarpotarsal fusion syndrome 1A; Contractures, pterygia, and variable skeletal fusions syndrome 1B. Review status: criteria provided, single submitter. Criteria: ACMG Guidelines, 2015. Collection method: clinical testing. Allele origin: germline. Affected: yes.
Comment: Absent from controls (or at extremely low frequency if recessive) in Genome Aggregation Database.;Multiple lines of computational evidence support a deleterious effect on the gene or gene product.;Missense variant in a gene that has a low rate of benign missense variation.;De novo (both maternity and paternity confirmed) in a patient with the disease and no family history.;Patient's phenotype or family history is highly specific for a disease with a single genetic etiology.